The following is an entry in ClinVar:

ClinVar aggregate classification (germline): Benign/Likely benign. Review status: criteria provided, multiple submitters, no conflicts (2 of 4 stars). 9 submissions from 9 submitters: Benign (5); Likely benign (2). 2 of the submissions do not count toward it. Last evaluated 2026-02-02.

Conditions:
Neutropenia, severe congenital, 2, autosomal dominant. Identifiers: Orphanet 486, MedGen C2751288, MONDO:0013139, OMIM 613107.
Nonimmune chronic idiopathic neutropenia of adults. Identifiers: Orphanet 2688, MedGen C1842930, MONDO:0011922, OMIM 607847.

Submissions (9):

Labcorp Genetics (formerly Invitae), Labcorp
Classification: Benign for Neutropenia, severe congenital, 2, autosomal dominant. Last evaluated: 2026-02-02. Review status: criteria provided, single submitter. Criteria: Invitae Variant Classification Sherloc (09022015). Collection method: clinical testing. Allele origin: germline.

Women's Health and Genetics/Laboratory Corporation of America, LabCorp
Classification: Benign. Last evaluated: 2026-01-22. Review status: criteria provided, single submitter. Criteria: LabCorp Variant Classification Summary - May 2015. Collection method: clinical testing. Allele origin: germline.
Comment: Variant summary: GFI1 c.925-10_925-5delCTCTCT located at a position not widely known to affect splicing. Consensus agreement among computation tools predicts no significant impact on normal splicing. However, these predictions have yet to be confirmed by functional studies. The variant allele was found at a frequency of 0.11 in 1511114 control chromosomes in the gnomAD database, including 1286 homozygotes. The observed variant frequency exceeds the estimated maximal expected allele frequency for disease-causing variants in GFI1. To our knowledge, no occurrence of c.925-10_925-5delCTCTCT in individuals affected with GFI1-related conditions and no experimental evidence demonstrating its impact on protein function have been reported. ClinVar contains an entry for this variant (Variation ID: 298185). Based on the evidence outlined above, the variant was classified as benign.

Laboratory of Genetics, Children's Clinical University Hospital Latvia
Classification: Benign. Last evaluated: 2025-02-16. Review status: criteria provided, single submitter. Criteria: ACMG Guidelines, 2015. Collection method: clinical testing. Allele origin: germline. Affected: yes.

Blueprint Genetics
Classification: Likely benign. Last evaluated: 2024-11-26. Review status: criteria provided, single submitter. Criteria: ACMG Guidelines, 2015. Collection method: clinical testing. Allele origin: germline.

Fulgent Genetics
Classification: Likely benign for Nonimmune chronic idiopathic neutropenia of adults; Neutropenia, severe congenital, 2, autosomal dominant. Last evaluated: 2022-03-08. Review status: criteria provided, single submitter. Criteria: ACMG Guidelines, 2015. Collection method: clinical testing. Allele origin: unknown.

GeneDx
Classification: Benign. Last evaluated: 2021-05-05. Review status: criteria provided, single submitter. Criteria: GeneDx Variant Classification Process June 2021. Collection method: clinical testing. Allele origin: germline. Affected: yes.

Mayo Clinic Laboratories, Mayo Clinic
Classification: Benign. Last evaluated: 2018-09-07. Review status: criteria provided, single submitter. Criteria: ACMG Guidelines, 2015. Collection method: clinical testing. Allele origin: germline. Observed: 124 variant alleles.

Genome Diagnostics Laboratory, University Medical Center Utrecht
Classification: Likely benign. Review status: no assertion criteria provided. Collection method: clinical testing. Allele origin: germline. Affected: yes. Study: VKGL Data-share Consensus. Not counted in ClinVar's aggregate classification.

Laboratory of Diagnostic Genome Analysis, Leiden University Medical Center (LUMC)
Classification: Likely benign. Review status: no assertion criteria provided. Collection method: clinical testing. Allele origin: germline. Affected: yes. Study: VKGL Data-share Consensus. Not counted in ClinVar's aggregate classification.

NM_005263.5(GFI1):c.925-40CT[15]

Gene: GFI1 (growth factor independent 1 transcriptional repressor; minus strand). Cytogenetic location: 1p22.1.
Variant type: Microsatellite.
Coding change: c.925-40CT[15] on transcript NM_005263.5 (MANE Select); 15 copies in a row of the 2-base unit CT starting at c.925-40; the reference has 18 copies in a row; three copies, 6 bases deleted.
Molecular consequence: intron variant.
Genome position (GRCh38, 1-based): chr1:92,478,758-92,478,763, AGAGAG deleted on the plus strand (CTCTCT on the coding strand, the reverse complement: GFI1 is on the minus strand); deleting any 6 consecutive bases within chr1:92,478,758-92,478,794 gives the same sequence; the position shown is the placement nearest the transcript's 3' end. VCF-style (leftmost placement, unchanged base first): chr1-92478757-CAGAGAG-C. GRCh37 (hg19) VCF-style: chr1-92944314-CAGAGAG-C.
Other names: p.?; c.925-40CT[15] (NM_001127216.3, NM_001127215.3); c.925-10_925-5delCTCTCT (NM_005263.5); c.925-10_925-5del (NM_005263.5).
Identifiers: ClinVar variation 298185 (VCV000298185.23), dbSNP rs35896485, ClinGen allele CA951274.